The following is an entry in ClinVar:

NM_000059.4(BRCA2):c.3079A>G (p.Ser1027Gly)

Gene: BRCA2 (BRCA2 DNA repair associated; plus strand). Cytogenetic location: 13q13.1.
Variant type: single nucleotide variant.
Coding change: c.3079A>G on transcript NM_000059.4 (MANE Select); coding-DNA position 3079, A replaced by G.
Protein change: p.Ser1027Gly; replaces serine 1027 with glycine.
Molecular consequence: missense variant.
Genome position (GRCh38, 1-based): chr13:32,337,434, A>G. VCF-style: chr13-32337434-A-G. GRCh37 (hg19) VCF-style: chr13-32911571-A-G.
Other names: c.3079A>G, p.Ser1027Gly (NM_001406719.1, NM_001406720.1); short protein forms S1027G.
Identifiers: ClinVar variation 1720379 (VCV001720379.9), dbSNP rs2137492982, ClinGen allele CA387775206.
Genomic context (GRCh38, chr13:32,337,434, plus strand): 5'-GGTAGCTTCAGAACAGCTTCAAATAAGGAAATCAAGCTCTCTGAACATAACATTAAGAAG[A>G]GCAAAATGTTCTTCAAAGATATTGAAGAACAATATCCTACTAGTTTAGCTTGTGTTGAAA-3'
Protein context (NP_000050.3, residues 1017-1037): IKLSEHNIKK[Ser1027Gly]KMFFKDIEEQ

ClinVar aggregate classification (germline): Conflicting classifications of pathogenicity. Review status: criteria provided, conflicting classifications (1 of 4 stars). 3 submissions from 3 submitters: Uncertain significance (2); Likely benign (1). Last evaluated 2023-03-23.

Conditions:
Hereditary breast ovarian cancer syndrome. Also called: BRCA1- and BRCA2-Associated Hereditary Breast and Ovarian Cancer; Hereditary breast and ovarian cancer syndrome (HBOC); Hereditary breast and/or ovarian cancer syndrome; Hereditary breast and ovarian cancer syndrome; Hereditary breast and ovarian cancer; Breast and ovarian cancer. Identifiers: Orphanet 145, MedGen C0677776, MeSH D061325, MONDO:0003582. Disease mechanism: loss of function.
Hereditary cancer-predisposing syndrome. Also called: Hereditary neoplastic syndrome; Neoplastic Syndromes, Hereditary; Hereditary Cancer Syndrome; Tumor predisposition. Identifiers: Orphanet 140162, MedGen C0027672, MeSH D009386, MONDO:0015356.

Submissions (3):

University of Washington Department of Laboratory Medicine, University of Washington
Classification: Likely benign for Hereditary cancer-predisposing syndrome. Last evaluated: 2023-03-23. Review status: criteria provided, single submitter. Criteria: Dines et al. (Genet Med. 2020). Collection method: curation. Allele origin: germline.
Comment: Missense variant in a coldspot region where missense variants are very unlikely to be pathogenic (PMID:31911673).

BRCA2 exon 11 coldspot. Reclassification based on statistical prior probability.

Labcorp Genetics (formerly Invitae), Labcorp
Classification: Uncertain significance for Hereditary breast ovarian cancer syndrome. Last evaluated: 2022-09-26. Review status: criteria provided, single submitter. Criteria: Invitae Variant Classification Sherloc (09022015). Collection method: clinical testing. Allele origin: germline.
Comment: This sequence change replaces serine, which is neutral and polar, with glycine, which is neutral and non-polar, at codon 1027 of the BRCA2 protein (p.Ser1027Gly). This variant is not present in population databases (gnomAD no frequency). This variant has not been reported in the literature in individuals affected with BRCA2-related conditions. Advanced modeling of protein sequence and biophysical properties (such as structural, functional, and spatial information, amino acid conservation, physicochemical variation, residue mobility, and thermodynamic stability) performed at Invitae indicates that this missense variant is not expected to disrupt BRCA2 protein function. In summary, the available evidence is currently insufficient to determine the role of this variant in disease. Therefore, it has been classified as a Variant of Uncertain Significance.

Ambry Genetics
Classification: Uncertain significance for Hereditary cancer-predisposing syndrome. Last evaluated: 2022-08-10. Review status: criteria provided, single submitter. Criteria: Ambry Variant Classification Scheme 2023. Collection method: clinical testing. Allele origin: germline.
Comment: The p.S1027G variant (also known as c.3079A>G), located in coding exon 10 of the BRCA2 gene, results from an A to G substitution at nucleotide position 3079. The serine at codon 1027 is replaced by glycine, an amino acid with similar properties. This amino acid position is not well conserved in available vertebrate species. In addition, this alteration is predicted to be tolerated by in silico analysis. Since supporting evidence is limited at this time, the clinical significance of this alteration remains unclear.